The following is an entry in ClinVar:

NM_001035.3(RYR2):c.7860T>C (p.Tyr2620=)

Gene: RYR2 (ryanodine receptor 2; plus strand). Cytogenetic location: 1q43.
Variant type: single nucleotide variant.
Coding change: c.7860T>C on transcript NM_001035.3 (MANE Select); coding-DNA position 7860, T replaced by C.
Protein change: p.Tyr2620=; no amino-acid change (tyrosine 2620 retained).
Molecular consequence: synonymous variant.
Genome position (GRCh38, 1-based): chr1:237,654,309, T>C. VCF-style: chr1-237654309-T-C. GRCh37 (hg19) VCF-style: chr1-237817609-T-C.
Other names: c.7860T>C (NM_001035.2).
Identifiers: ClinVar variation 3071213 (VCV003071213.3), dbSNP rs1415898681, ClinGen allele CA423820350.
Genomic context (GRCh38, chr1:237,654,309, plus strand): 5'-CTTTTATAATTGTTTTCCCACATAGCTGCTGACAAATCATTATGAAAGATGCTGGAAATA[T>C]TACTGCCTGCCTGGAGGGTGGGGAAACTTTGGTGCTGCCTCAGAAGAAGAACTTCATTTA-3'
Protein context (NP_001026.2, residues 2610-2630): LTNHYERCWK[Tyr2620=]YCLPGGWGNF

ClinVar aggregate classification (germline): Likely benign. Review status: criteria provided, multiple submitters, no conflicts (2 of 4 stars). 3 submissions from 3 submitters: Likely benign (3). Last evaluated 2026-06-09.

Conditions:
Cardiovascular phenotype. Identifiers: MedGen CN230736.
Catecholaminergic polymorphic ventricular tachycardia (CVPT). Also called: Catecholamine-induced polymorphic ventricular tachycardia. Identifiers: Orphanet 3286, MedGen C5574922, MONDO:0017990.
Cardiomyopathy (CMYO). Also called: Cardiomyopathies. Identifiers: Orphanet 167848, MedGen C0878544, MONDO:0004994, HP:0001638. Inheritance: Various modes of inheritance.

Allele frequency attached by ClinVar (database versions not stated): gnomAD exomes below 0.00001.
gnomAD v4.1: 4 of 1,613,972 alleles (0.00025%); highest among the groups gnomAD compares: South Asian, 0.0022%; no homozygotes.

Submissions (3):

Ambry Genetics
Classification: Likely benign for Cardiovascular phenotype. Last evaluated: 2026-06-09. Review status: criteria provided, single submitter. Criteria: Ambry Variant Classification Scheme 2023. Collection method: clinical testing. Allele origin: germline.

All of Us Research Program, National Institutes of Health
Classification: Likely benign for Catecholaminergic polymorphic ventricular tachycardia. Last evaluated: 2023-12-13. Review status: criteria provided, single submitter. Criteria: ACMG Guidelines, 2015. Collection method: clinical testing. Allele origin: germline. Inheritance: Autosomal dominant inheritance. Observed: 2 variant alleles, 2 heterozygotes.
Comment: This study involves interpretation of variants in research participants for the purpose of population health screening. Participant phenotype was not available at the time of variant classification. Additional details can be found in publication PMID: 35346344, PMCID: PMC8962531

Color Diagnostics, LLC DBA Color Health
Classification: Likely benign for Cardiomyopathy. Last evaluated: 2023-05-10. Review status: criteria provided, single submitter. Criteria: ACMG Guidelines, 2015. Collection method: clinical testing. Allele origin: germline.